The following is an entry in ClinVar:

NM_004830.4(MED23):c.3490C>T (p.Leu1164Phe)

Gene: MED23 (mediator complex subunit 23; minus strand). Cytogenetic location: 6q23.2.
Variant type: single nucleotide variant.
Coding change: c.3490C>T on transcript NM_004830.4 (MANE Select); coding-DNA position 3490, C replaced by T.
Protein change: p.Leu1164Phe; replaces leucine 1164 with phenylalanine.
Molecular consequence: missense variant.
Genome position (GRCh38, 1-based): chr6:131,591,509, G>A on the plus strand (C>T on the coding strand, the complement: MED23 is on the minus strand). VCF-style: chr6-131591509-G-A. GRCh37 (hg19) VCF-style: chr6-131912649-G-A.
Other names: c.3490C>T, p.Leu1164Phe (NM_001270521.2, NM_001270522.2); c.3508C>T, p.Leu1170Phe (NM_001376517.1, NM_015979.4); c.3436C>T, p.Leu1146Phe (NM_001376518.1); c.3352C>T, p.Leu1118Phe (NM_001376519.1, NM_001376521.1); c.3349C>T, p.Leu1117Phe (NM_001376520.1); c.3319C>T, p.Leu1107Phe (NM_001376522.1); c.3235C>T, p.Leu1079Phe (NM_001376523.1); c.3103C>T, p.Leu1035Phe (NM_001376524.1); short protein forms L1035F, L1079F, L1107F, L1117F, L1118F, L1146F, L1164F, L1170F.
Identifiers: ClinVar variation 1312923 (VCV001312923.2), dbSNP rs2114591855, ClinGen allele CA365658890.

ClinVar aggregate classification (germline): Uncertain significance (1 of 4 stars; one submission).

Allele frequency attached by ClinVar (database versions not stated): gnomAD exomes below 0.00001.
gnomAD v4.1: 1 of 1,613,308 alleles (0.000062%); highest among the groups gnomAD compares: Non-Finnish European, 0.000085%; no homozygotes.

Submission:

GeneDx
Classification: Uncertain significance. Last evaluated: 2020-07-13. Review status: criteria provided, single submitter. Criteria: GeneDx Variant Classification Process June 2021. Collection method: clinical testing. Allele origin: germline. Affected: yes.
Comment: Not observed in large population cohorts (Lek et al., 2016); Has not been previously published as pathogenic or benign to our knowledge; In silico analysis supports that this missense variant does not alter protein structure/function